The following is an entry in ClinVar:

ClinVar aggregate classification (germline): Pathogenic (1 of 4 stars; one submission).

Conditions:
Dent disease type 1 (DENT1). Also called: NEPHROLITHIASIS 2; NEPHROLITHIASIS, HYPERCALCIURIC, X-LINKED. Identifiers: Orphanet 1652, Orphanet 93622, MedGen C1848336, MONDO:0010225, OMIM 300009.

Submission:

MVZ Medizinische Genetik Mainz
Classification: Pathogenic for Dent disease type 1. Last evaluated: 2024-07-31. Review status: criteria provided, single submitter. Criteria: UK Practice Guidelines For Variant Classification V4 01 2020. Collection method: clinical testing. Allele origin: germline. Inheritance: X-linked dominant inheritance. Affected: yes. Observed: 1 variant allele.
Comment: ACMG Criteria: PVS1_STR,PS1,PS4_MOD,PM2_SUP,PP4

NM_001127898.4(CLCN5):c.1557+1G>A

Gene: CLCN5 (Cl-/H+ antiporter 5; plus strand). Cytogenetic location: Xp11.23.
Variant type: single nucleotide variant.
Coding change: c.1557+1G>A on transcript NM_001127898.4 (MANE Select); the canonical splice donor site of the intron after coding-DNA position 1557, G replaced by A.
Molecular consequence: splice donor variant.
Genome position (GRCh38, 1-based): chrX:50,086,871, G>A. VCF-style: chrX-50086871-G-A. GRCh37 (hg19) VCF-style: chrX-49851528-G-A.
Other names: c.1569+1G>A (NM_001440757.1, NM_001440756.1); c.1557+1G>A (NM_001127899.4); c.1347+1G>A (NM_000084.5); c.1407+1G>A (NM_001282163.2).
Identifiers: ClinVar variation 4857255 (VCV004857255.1).